The following is an entry in ClinVar:

NM_004994.3(MMP9):c.1944C>A (p.Ser648Arg)

Genes: SLC12A5-AS1 (SLC12A5 and MMP9 antisense RNA 1; minus strand), MMP9 (matrix metallopeptidase 9; plus strand), LOC130065978 (ATAC-STARR-seq lymphoblastoid silent region 12969; plus strand). Cytogenetic location: 20q13.12.
Variant type: single nucleotide variant.
Coding change: c.1944C>A on transcript NM_004994.3 (MANE Select); coding-DNA position 1944, C replaced by A.
Protein change: p.Ser648Arg; replaces serine 648 with arginine.
Molecular consequence: missense variant. On other transcripts: non-coding transcript variant (1).
Genome position (GRCh38, 1-based): chr20:46,014,413, C>A. VCF-style: chr20-46014413-C-A. GRCh37 (hg19) VCF-style: chr20-44643052-C-A.
Other names: short protein forms S648R.
Identifiers: ClinVar variation 1966997 (VCV001966997.5), dbSNP rs201553146, ClinGen allele CA409225643.

ClinVar aggregate classification (germline): Uncertain significance (1 of 4 stars; one submission).

gnomAD v4.1: 2 of 1,550,098 alleles (0.00013%); highest among the groups gnomAD compares: Admixed American, 0.002%; no homozygotes.

Submission:

Labcorp Genetics (formerly Invitae), Labcorp
Classification: Uncertain significance. Last evaluated: 2022-06-13. Review status: criteria provided, single submitter. Criteria: Invitae Variant Classification Sherloc (09022015). Collection method: clinical testing. Allele origin: germline.
Comment: In summary, the available evidence is currently insufficient to determine the role of this variant in disease. Therefore, it has been classified as a Variant of Uncertain Significance. Algorithms developed to predict the effect of missense changes on protein structure and function (SIFT, PolyPhen-2, Align-GVGD) all suggest that this variant is likely to be tolerated. This variant has not been reported in the literature in individuals affected with MMP9-related conditions. The frequency data for this variant in the population databases is considered unreliable, as metrics indicate poor data quality at this position in the gnomAD database. This sequence change replaces serine, which is neutral and polar, with arginine, which is basic and polar, at codon 648 of the MMP9 protein (p.Ser648Arg).